The following is an entry in ClinVar:

NM_004517.4(ILK):c.1125G>A (p.Met375Ile)

Genes: ILK (integrin linked kinase; plus strand), TAF10 (TATA-box binding protein associated factor 10; minus strand). Cytogenetic location: 11p15.4.
Variant type: single nucleotide variant.
Coding change: c.1125G>A on transcript NM_004517.4 (MANE Select); coding-DNA position 1125, G replaced by A.
Protein change: p.Met375Ile; replaces methionine 375 with isoleucine.
Molecular consequence: missense variant. On other transcripts: 3 prime UTR variant (1).
Genome position (GRCh38, 1-based): chr11:6,610,194, G>A. VCF-style: chr11-6610194-G-A. GRCh37 (hg19) VCF-style: chr11-6631425-G-A.
Other names: c.1125G>A, p.Met375Ile (NM_001014794.3, NM_001014795.3); c.942G>A, p.Met314Ile (NM_001278441.2); c.723G>A, p.Met241Ile (NM_001278442.2); c.*728C>T (NM_006284.4); short protein forms M375I, M241I, M314I.
Identifiers: ClinVar variation 3860406 (VCV003860406.1).

ClinVar aggregate classification (germline): Uncertain significance (1 of 4 stars; one submission).

gnomAD v4.1: 2 of 1,614,238 alleles (0.00012%); highest among the groups gnomAD compares: Non-Finnish European, 0.00017%; no homozygotes.

Submission:

Ambry Genetics
Classification: Uncertain significance. Last evaluated: 2025-01-06. Review status: criteria provided, single submitter. Criteria: Ambry Variant Classification Scheme 2023. Collection method: clinical testing. Allele origin: germline.
Comment: The p.M375I variant (also known as c.1125G>A), located in coding exon 11 of the ILK gene, results from a G to A substitution at nucleotide position 1125. The methionine at codon 375 is replaced by isoleucine, an amino acid with highly similar properties. This amino acid position is conserved. In addition, this alteration is predicted to be deleterious by in silico analysis. Based on the available evidence, the clinical significance of this variant remains unclear.